The following is an entry in ClinVar:

ClinVar aggregate classification (germline): Uncertain significance (1 of 4 stars; one submission).

gnomAD v4.1: 3 of 1,608,812 alleles (0.00019%); highest among the groups gnomAD compares: Non-Finnish European, 0.00025%; no homozygotes.

Submission:

GeneDx
Classification: Uncertain significance. Last evaluated: 2024-10-31. Review status: criteria provided, single submitter. Criteria: GeneDx Variant Classification Process June 2021. Collection method: clinical testing. Allele origin: germline. Affected: yes.
Comment: Not observed at significant frequency in large population cohorts (gnomAD); In silico analysis indicates that this missense variant does not alter protein structure/function; Has not been previously published as pathogenic or benign to our knowledge

NM_006005.3(WFS1):c.326A>G (p.His109Arg)

Gene: WFS1 (wolframin ER transmembrane glycoprotein; plus strand). Cytogenetic location: 4p16.1.
Variant type: single nucleotide variant.
Coding change: c.326A>G on transcript NM_006005.3 (MANE Select); coding-DNA position 326, A replaced by G.
Protein change: p.His109Arg; replaces histidine 109 with arginine.
Molecular consequence: missense variant.
Genome position (GRCh38, 1-based): chr4:6,288,997, A>G. VCF-style: chr4-6288997-A-G. GRCh37 (hg19) VCF-style: chr4-6290724-A-G.
Other names: c.326A>G, p.His109Arg (NM_001145853.1); short protein forms H109R.
Identifiers: ClinVar variation 3897227 (VCV003897227.1).